The following is an entry in ClinVar:

NM_000090.4(COL3A1):c.1700G>A (p.Gly567Glu)

Gene: COL3A1 (collagen type III alpha 1 chain; plus strand). Cytogenetic location: 2q32.2.
Variant type: single nucleotide variant.
Coding change: c.1700G>A on transcript NM_000090.4 (MANE Select); coding-DNA position 1700, G replaced by A.
Protein change: p.Gly567Glu; replaces glycine 567 with glutamic acid.
Molecular consequence: missense variant.
Genome position (GRCh38, 1-based): chr2:188,996,435, G>A. VCF-style: chr2-188996435-G-A. GRCh37 (hg19) VCF-style: chr2-189861161-G-A.
Other names: short protein forms G567E.
Identifiers: ClinVar variation 3720386 (VCV003720386.2).
Genomic context (GRCh38, chr2:188,996,435, plus strand): 5'-TTAATGTAATTTTTTCTTATTAGGGAAGTCAAGGAGAAAGTGGTCGACCAGGTCCTCCTG[G>A]GCCATCTGGTCCCCGAGGTCAGCCTGGTGTCATGGGCTTCCCCGGTCCTAAAGGAAATGA-3'
Protein context (NP_000081.2, residues 557-577): QGESGRPGPP[Gly567Glu]PSGPRGQPGV

ClinVar aggregate classification (germline): Pathogenic (1 of 4 stars; one submission).

Conditions:
Ehlers-Danlos syndrome, type 4 (EDSVASC). Also called: Ehlers-Danlos syndrome vascular type; Ehlers Danlos syndrome, ecchymotic type; Ehlers Danlos syndrome, arterial type; Ehlers Danlos syndrome, Sack-Barabas type; Ehlers-Danlos Syndrome Type IV. Identifiers: Orphanet 286, MedGen C0268338, MONDO:0017314, OMIM 130050.

Submission:

Labcorp Genetics (formerly Invitae), Labcorp
Classification: Pathogenic for Ehlers-Danlos syndrome, type 4. Last evaluated: 2024-10-01. Review status: criteria provided, single submitter. Criteria: Invitae Variant Classification Sherloc (09022015). Collection method: clinical testing. Allele origin: germline.
Comment: This sequence change replaces glycine, which is neutral and non-polar, with glutamic acid, which is acidic and polar, at codon 567 of the COL3A1 protein (p.Gly567Glu). This variant is not present in population databases (gnomAD no frequency). This missense change has been observed in individuals with Ehlers-Danlos syndrome (PMID: 8884076, 30474650; internal data). This variant is also known as p.Gly400Glu. Invitae Evidence Modeling of protein sequence and biophysical properties (such as structural, functional, and spatial information, amino acid conservation, physicochemical variation, residue mobility, and thermodynamic stability) indicates that this missense variant is expected to disrupt COL3A1 protein function with a positive predictive value of 95%. This variant disrupts the triple helix domain of COL3A1. Glycine residues within the Gly-Xaa-Yaa repeats of the triple helix domain are required for the structure and stability of fibrillar collagens (PMID: 7695699, 8218237, 19344236). In COL3A1, variants that affect these glycine residues are significantly enriched in individuals with disease (PMID: 24922459, 25758994) compared to the general population (ExAC). For these reasons, this variant has been classified as Pathogenic.

Literature cited by the submitters: PubMed 8884076; PubMed 30474650; PubMed 7695699; PubMed 8218237; PubMed 19344236; PubMed 24922459; PubMed 25758994.